The following is an entry in ClinVar:

NM_001037.5(SCN1B):c.69G>T (p.Glu23Asp)

Gene: SCN1B (sodium voltage-gated channel beta subunit 1; plus strand). Cytogenetic location: 19q13.11.
Variant type: single nucleotide variant.
Coding change: c.69G>T on transcript NM_001037.5 (MANE Select); coding-DNA position 69, G replaced by T.
Protein change: p.Glu23Asp; replaces glutamic acid 23 with aspartic acid.
Molecular consequence: missense variant. On other transcripts: 5 prime UTR variant (1).
Genome position (GRCh38, 1-based): chr19:35,032,556, G>T. VCF-style: chr19-35032556-G-T. GRCh37 (hg19) VCF-style: chr19-35523460-G-T.
Other names: c.-31G>T (NM_001321605.2); c.69G>T, p.Glu23Asp (NM_199037.5); short protein forms E23D.
Identifiers: ClinVar variation 3767488 (VCV003767488.2).

ClinVar aggregate classification (germline): Uncertain significance. Review status: criteria provided, multiple submitters, no conflicts (2 of 4 stars). 2 submissions from 2 submitters: Uncertain significance (2). Last evaluated 2025-05-01.

Conditions:
Brugada syndrome 5 (BRGDA5). Identifiers: Orphanet 130, Orphanet 871, MedGen C2748541, MONDO:0013015, OMIM 612838.

gnomAD v4.1: 1 of 1,614,014 alleles (0.000062%); highest among the groups gnomAD compares: African/African-American, 0.0013%; no homozygotes.

Submissions (2):

Labcorp Genetics (formerly Invitae), Labcorp
Classification: Uncertain significance for Brugada syndrome 5. Last evaluated: 2025-05-01. Review status: criteria provided, single submitter. Criteria: Invitae Variant Classification Sherloc (09022015). Collection method: clinical testing. Allele origin: germline.
Comment: This sequence change replaces glutamic acid, which is acidic and polar, with aspartic acid, which is acidic and polar, at codon 23 of the SCN1B protein (p.Glu23Asp). This variant is not present in population databases (gnomAD no frequency). This variant has not been reported in the literature in individuals affected with SCN1B-related conditions. ClinVar contains an entry for this variant (Variation ID: 3767488). An algorithm developed to predict the effect of missense changes on protein structure and function (PolyPhen-2) suggests that this variant is likely to be disruptive. In summary, the available evidence is currently insufficient to determine the role of this variant in disease. Therefore, it has been classified as a Variant of Uncertain Significance.

GeneDx
Classification: Uncertain significance. Last evaluated: 2024-09-07. Review status: criteria provided, single submitter. Criteria: GeneDx Variant Classification Process June 2021. Collection method: clinical testing. Allele origin: germline. Affected: yes.
Comment: Not observed at significant frequency in large population cohorts (gnomAD); In silico analysis indicates that this missense variant does not alter protein structure/function; Has not been previously published as pathogenic or benign to our knowledge